The following is an entry in ClinVar:

NM_000069.3(CACNA1S):c.1663T>G (p.Ser555Ala)

Gene: CACNA1S (calcium voltage-gated channel subunit alpha1 S; minus strand). Cytogenetic location: 1q32.1.
Variant type: single nucleotide variant.
Coding change: c.1663T>G on transcript NM_000069.3 (MANE Select); coding-DNA position 1663, T replaced by G.
Protein change: p.Ser555Ala; replaces serine 555 with alanine.
Molecular consequence: missense variant.
Genome position (GRCh38, 1-based): chr1:201,077,084, A>C on the plus strand (T>G on the coding strand, the complement: CACNA1S is on the minus strand). VCF-style: chr1-201077084-A-C. GRCh37 (hg19) VCF-style: chr1-201046212-A-C.
Other names: short protein forms S555A.
Identifiers: ClinVar variation 4758911 (VCV004758911.1).

ClinVar aggregate classification (germline): Uncertain significance (1 of 4 stars; one submission).

Conditions:
Malignant hyperthermia, susceptibility to, 5 (MHS5). Also called: CACNA1S-Related Malignant Hyperthermia Susceptibility. Identifiers: Orphanet 423, MedGen C1866077, MONDO:0011163, OMIM 601887.

Submission:

Color Diagnostics, LLC DBA Color Health
Classification: Uncertain significance for Malignant hyperthermia, susceptibility to, 5. Last evaluated: 2025-07-08. Review status: criteria provided, single submitter. Criteria: ACMG Guidelines, 2015. Collection method: clinical testing. Allele origin: germline.
Comment: This missense variant replaces serine with alanine at codon 555 of the CACNA1S protein. Computational prediction suggests that this variant may have deleterious impact on protein structure and function. To our knowledge, functional studies have not been reported for this variant. This variant has not been reported in individuals affected with CACNA1S-related disorders in the literature. This variant has not been identified in the general population by the Genome Aggregation Database (gnomAD). The available evidence is insufficient to determine the role of this variant in disease conclusively. Therefore, this variant is classified as a Variant of Uncertain Significance.